The following is an entry in ClinVar:

NM_182699.4(DDX53):c.319G>T (p.Ala107Ser)

Genes: DDX53 (DEAD-box helicase 53; plus strand), PTCHD1-AS (PTCHD1 antisense RNA (head to head); minus strand). Cytogenetic location: Xp22.11.
Variant type: single nucleotide variant.
Coding change: c.319G>T on transcript NM_182699.4 (MANE Select); coding-DNA position 319, G replaced by T.
Protein change: p.Ala107Ser; replaces alanine 107 with serine.
Molecular consequence: missense variant.
Genome position (GRCh38, 1-based): chrX:23,000,376, G>T. VCF-style: chrX-23000376-G-T. GRCh37 (hg19) VCF-style: chrX-23018493-G-T.
Other names: short protein forms A107S.
Identifiers: ClinVar variation 716722 (VCV000716722.9), dbSNP rs148588561, ClinGen allele CA10368726.

ClinVar aggregate classification (germline): Benign. Review status: criteria provided, multiple submitters, no conflicts (2 of 4 stars). 5 submissions from 5 submitters: Benign (2). 3 of the submissions do not count toward it. Last evaluated 2019-12-31.

Conditions:
DDX53-related disorder. Also called: DDX53-related condition.

Allele frequency attached by ClinVar (database versions not stated): 1000 Genomes Project 0.00026; 1000 Genomes Project 30x 0.00042; gnomAD exomes 0.00204; TOPMed 0.00210; gnomAD 0.00219 and 0.00225; ExAC 0.00220; ESP Exome Variant Server 0.00284.
gnomAD v4.1: 4,836 of 1,206,710 alleles (0.4%); highest among the groups gnomAD compares: Non-Finnish European, 0.52%; 10 homozygotes.

Submissions (5):

Labcorp Genetics (formerly Invitae), Labcorp
Classification: Benign. Last evaluated: 2019-12-31. Review status: criteria provided, single submitter. Criteria: Invitae Variant Classification Sherloc (09022015). Collection method: clinical testing. Allele origin: germline.

Breakthrough Genomics
Classification: Benign. Review status: criteria provided, single submitter. Criteria: ACMG Guidelines, 2015. Collection method: not provided. Allele origin: germline. Inheritance: Unknown mechanism. Affected: yes.

PreventionGenetics, part of Exact Sciences
Classification: Likely benign for DDX53-related condition. Last evaluated: 2022-02-28. Review status: no assertion criteria provided. Collection method: clinical testing. Allele origin: germline. Not counted in ClinVar's aggregate classification.
Comment: This variant is classified as likely benign based on ACMG/AMP sequence variant interpretation guidelines (Richards et al. 2015 PMID: 25741868, with internal and published modifications).

Genome Diagnostics Laboratory, University Medical Center Utrecht
Classification: Benign. Review status: no assertion criteria provided. Collection method: clinical testing. Allele origin: germline. Affected: yes. Study: VKGL Data-share Consensus. Not counted in ClinVar's aggregate classification.

Laboratory of Diagnostic Genome Analysis, Leiden University Medical Center (LUMC)
Classification: Likely benign. Review status: no assertion criteria provided. Collection method: clinical testing. Allele origin: germline. Affected: yes. Study: VKGL Data-share Consensus. Not counted in ClinVar's aggregate classification.